The following is an entry in ClinVar:

NM_001370259.2(MEN1):c.1642G>T (p.Gly548Cys)

Gene: MEN1 (menin 1; minus strand). Cytogenetic location: 11q13.1.
Variant type: single nucleotide variant.
Coding change: c.1642G>T on transcript NM_001370259.2 (MANE Select); coding-DNA position 1642, G replaced by T.
Protein change: p.Gly548Cys; replaces glycine 548 with cysteine.
Molecular consequence: missense variant. On other transcripts: non-coding transcript variant (4).
Genome position (GRCh38, 1-based): chr11:64,804,525, C>A on the plus strand (G>T on the coding strand, the complement: MEN1 is on the minus strand). VCF-style: chr11-64804525-C-A. GRCh37 (hg19) VCF-style: chr11-64571997-C-A.
Other names: c.1642G>T, p.Gly548Cys (NM_001370260.2, NM_001370261.2, NM_001407146.1 and 2 more transcripts); c.1537G>T, p.Gly513Cys (NM_001370262.2, NM_001370263.2, NM_001407148.1 and 1 more transcripts); c.1768G>T, p.Gly590Cys (NM_001407142.1, NM_001407143.1, NM_001407144.1 and 1 more transcripts); c.1657G>T, p.Gly553Cys (NM_001407145.1, NM_130802.3, NM_130803.3 and 4 more transcripts); c.1783G>T, p.Gly595Cys (NM_001407150.1); c.1663G>T, p.Gly555Cys (NM_001407151.1); c.1477G>T, p.Gly493Cys (NM_001407152.1); short protein forms G553C, G590C, G493C, G513C, G555C, G548C, G595C.
Identifiers: ClinVar variation 2840177 (VCV002840177.3), dbSNP rs2497108710, ClinGen allele CA381177924.
Genomic context (GRCh38, chr11:64,804,525, plus strand): 5'-TGGCCACCAGCAGCTCCTTCATGCCCTTCATCTTCTCACTCTGGAAAGTGAGCACTGGAC[C>A]CTCCGGCGGTGGTGATGCTGTGGGTGCTGGCACCTGAGCCGTGCTGCCACCTTCAGGGCC-3'
Protein context (NP_001357188.2, residues 538-558): PAPTASPPPE[Gly548Cys]PVLTFQSEKM

ClinVar aggregate classification (germline): Uncertain significance (1 of 4 stars; one submission).

Conditions:
Multiple endocrine neoplasia, type 1 (MEN1). Also called: MEN I; WERMER SYNDROME; Endocrine adenomatosis multiple; MEN 1; MEA I. Identifiers: Orphanet 652, MedGen C0025267, MeSH D018761, MONDO:0007540, OMIM 131100.

Submission:

Labcorp Genetics (formerly Invitae), Labcorp
Classification: Uncertain significance for Multiple endocrine neoplasia, type 1. Last evaluated: 2023-02-23. Review status: criteria provided, single submitter. Criteria: Invitae Variant Classification Sherloc (09022015). Collection method: clinical testing. Allele origin: germline.
Comment: This variant is not present in population databases (gnomAD no frequency). This variant has not been reported in the literature in individuals affected with MEN1-related conditions. Advanced modeling of protein sequence and biophysical properties (such as structural, functional, and spatial information, amino acid conservation, physicochemical variation, residue mobility, and thermodynamic stability) performed at Invitae indicates that this missense variant is expected to disrupt MEN1 protein function. In summary, the available evidence is currently insufficient to determine the role of this variant in disease. Therefore, it has been classified as a Variant of Uncertain Significance. This sequence change replaces glycine, which is neutral and non-polar, with cysteine, which is neutral and slightly polar, at codon 548 of the MEN1 protein (p.Gly548Cys).